The following is an entry in ClinVar:

NM_004329.3(BMPR1A):c.1414G>A (p.Glu472Lys)

Gene: BMPR1A (bone morphogenetic protein receptor type 1A; plus strand). Cytogenetic location: 10q23.2.
Variant type: single nucleotide variant.
Coding change: c.1414G>A on transcript NM_004329.3 (MANE Select); coding-DNA position 1414, G replaced by A.
Protein change: p.Glu472Lys; replaces glutamic acid 472 with lysine.
Molecular consequence: missense variant.
Genome position (GRCh38, 1-based): chr10:86,923,447, G>A. VCF-style: chr10-86923447-G-A. GRCh37 (hg19) VCF-style: chr10-88683204-G-A.
Other names: short protein forms E472K.
Identifiers: ClinVar variation 142940 (VCV000142940.7), dbSNP rs587782836, ClinGen allele CA169826.

ClinVar aggregate classification (germline): Uncertain significance. Review status: criteria provided, multiple submitters, no conflicts (2 of 4 stars). 2 submissions from 2 submitters: Uncertain significance (2). Last evaluated 2025-09-03.

Conditions:
Hereditary cancer-predisposing syndrome. Also called: Hereditary Cancer Syndrome; Neoplastic Syndromes, Hereditary; Hereditary neoplastic syndrome; Tumor predisposition. Identifiers: Orphanet 140162, MedGen C0027672, MeSH D009386, MONDO:0015356.

Submissions (2):

Ambry Genetics
Classification: Uncertain significance for Hereditary cancer-predisposing syndrome. Last evaluated: 2025-09-03. Review status: criteria provided, single submitter. Criteria: Ambry Variant Classification Scheme 2023. Collection method: clinical testing. Allele origin: germline.
Comment: The p.E472K variant (also known as c.1414G>A), located in coding exon 10 of the BMPR1A gene, results from a G to A substitution at nucleotide position 1414. The glutamic acid at codon 472 is replaced by lysine, an amino acid with similar properties. This amino acid position is well conserved in available vertebrate species. In addition, the in silico prediction for this alteration is inconclusive. Based on the available evidence, the clinical significance of this variant remains unclear.

Quest Diagnostics Nichols Institute San Juan Capistrano
Classification: Uncertain significance. Last evaluated: 2024-01-17. Review status: criteria provided, single submitter. Criteria: Quest Diagnostics criteria. Collection method: clinical testing. Allele origin: unknown.
Comment: The BMPR1A c.1414G>A (p.Glu472Lys) variant has not been reported in individuals with BMPR1A-related conditions in the published literature. It also has not been reported in large, multi-ethnic general populations (Genome Aggregation Database). Analysis of this variant using bioinformatics tools for the prediction of the effect of amino acid changes on protein structure and function yielded conflicting predictions that this variant is benign or damaging. Based on the available information, we are unable to determine the clinical significance of this variant.